The following is an entry in ClinVar:

NM_002691.4(POLD1):c.1733G>A (p.Gly578Asp)

Gene: POLD1 (DNA polymerase delta 1, catalytic subunit; plus strand). Cytogenetic location: 19q13.33.
Variant type: single nucleotide variant.
Coding change: c.1733G>A on transcript NM_002691.4 (MANE Select); coding-DNA position 1733, G replaced by A.
Protein change: p.Gly578Asp; replaces glycine 578 with aspartic acid.
Molecular consequence: missense variant. On other transcripts: non-coding transcript variant (1).
Genome position (GRCh38, 1-based): chr19:50,407,373, G>A. VCF-style: chr19-50407373-G-A. GRCh37 (hg19) VCF-style: chr19-50910630-G-A.
Other names: c.1733G>A, p.Gly578Asp (NM_001256849.1, NM_001308632.1, NM_001438210.1 and 3 more transcripts); short protein forms G578D.
Identifiers: ClinVar variation 4740470 (VCV004740470.1).

ClinVar aggregate classification (germline): Uncertain significance (1 of 4 stars; one submission).

Conditions:
POLD1-related polyposis and colorectal cancer syndrome (CRCS10). Also called: COLORECTAL CANCER, SUSCEPTIBILITY TO, ON CHROMOSOME 19q; Colorectal cancer 10; Colorectal cancer, susceptibility to, 10. Identifiers: Orphanet 220460, MedGen C2675481, MONDO:0012953, OMIM 612591.

Submission:

Labcorp Genetics (formerly Invitae), Labcorp
Classification: Uncertain significance for POLD1-related polyposis and colorectal cancer syndrome. Last evaluated: 2025-04-17. Review status: criteria provided, single submitter. Criteria: Invitae Variant Classification Sherloc (09022015). Collection method: clinical testing. Allele origin: germline.
Comment: This sequence change replaces glycine, which is neutral and non-polar, with aspartic acid, which is acidic and polar, at codon 578 of the POLD1 protein (p.Gly578Asp). This variant is not present in population databases (gnomAD no frequency). This variant has not been reported in the literature in individuals affected with POLD1-related conditions. Invitae Evidence Modeling of protein sequence and biophysical properties (such as structural, functional, and spatial information, amino acid conservation, physicochemical variation, residue mobility, and thermodynamic stability) indicates that this missense variant is not expected to disrupt POLD1 protein function with a negative predictive value of 80%. In summary, the available evidence is currently insufficient to determine the role of this variant in disease. Therefore, it has been classified as a Variant of Uncertain Significance.